The following is an entry in ClinVar:

NM_001029883.3(PCARE):c.1187C>T (p.Thr396Ile)

Gene: PCARE (photoreceptor cilium actin regulator; minus strand). Cytogenetic location: 2p23.2.
Variant type: single nucleotide variant.
Coding change: c.1187C>T on transcript NM_001029883.3 (MANE Select); coding-DNA position 1187, C replaced by T.
Protein change: p.Thr396Ile; replaces threonine 396 with isoleucine.
Molecular consequence: missense variant.
Genome position (GRCh38, 1-based): chr2:29,073,075, G>A on the plus strand (C>T on the coding strand, the complement: PCARE is on the minus strand). VCF-style: chr2-29073075-G-A. GRCh37 (hg19) VCF-style: chr2-29295941-G-A.
Other names: short protein forms T396I.
Identifiers: ClinVar variation 1013789 (VCV001013789.8), dbSNP rs1011014294, ClinGen allele CA346480720.

ClinVar aggregate classification (germline): Uncertain significance (1 of 4 stars; one submission).

Submission:

Labcorp Genetics (formerly Invitae), Labcorp
Classification: Uncertain significance. Last evaluated: 2022-03-09. Review status: criteria provided, single submitter. Criteria: Invitae Variant Classification Sherloc (09022015). Collection method: clinical testing. Allele origin: germline.
Comment: In summary, the available evidence is currently insufficient to determine the role of this variant in disease. Therefore, it has been classified as a Variant of Uncertain Significance. Algorithms developed to predict the effect of missense changes on protein structure and function (SIFT, PolyPhen-2, Align-GVGD) all suggest that this variant is likely to be tolerated. ClinVar contains an entry for this variant (Variation ID: 1013789). This variant has not been reported in the literature in individuals affected with PCARE-related conditions. This variant is not present in population databases (gnomAD no frequency). This sequence change replaces threonine, which is neutral and polar, with isoleucine, which is neutral and non-polar, at codon 396 of the PCARE protein (p.Thr396Ile).